The following is an entry in ClinVar:

NM_005912.3(MC4R):c.542G>A (p.Gly181Asp)

Gene: MC4R (melanocortin 4 receptor; minus strand). Cytogenetic location: 18q21.32.
Variant type: single nucleotide variant.
Coding change: c.542G>A on transcript NM_005912.3 (MANE Select); coding-DNA position 542, G replaced by A.
Protein change: p.Gly181Asp; replaces glycine 181 with aspartic acid.
Molecular consequence: missense variant.
Genome position (GRCh38, 1-based): chr18:60,371,808, C>T on the plus strand (G>A on the coding strand, the complement: MC4R is on the minus strand). VCF-style: chr18-60371808-C-T. GRCh37 (hg19) VCF-style: chr18-58039041-C-T.
Other names: short protein forms G181D.
Identifiers: ClinVar variation 976326 (VCV000976326.7), dbSNP rs13447333, ClinGen allele CA8980897.

ClinVar aggregate classification (germline): Pathogenic/Likely pathogenic. Review status: criteria provided, multiple submitters, no conflicts (2 of 4 stars). 5 submissions from 5 submitters: Pathogenic (2); Likely pathogenic (3). Last evaluated 2025-05-22.

Conditions:
MC4R-related disorder. Also called: MC4R-related condition.
BODY MASS INDEX QUANTITATIVE TRAIT LOCUS 20 (BMIQ20). Also called: MELANOCORTIN 4 RECEPTOR DEFICIENCY; MC4R DEFICIENCY. Identifiers: MedGen C4759928, OMIM 618406.

Allele frequency attached by ClinVar (database versions not stated): gnomAD exomes below 0.00001 and 0.00002; ExAC 0.00002.

Submissions (5):

PreventionGenetics, part of Exact Sciences
Classification: Pathogenic for MC4R-related condition. Last evaluated: 2025-05-22. Review status: criteria provided, single submitter. Criteria: ACMG Guidelines, 2015. Collection method: clinical testing. Allele origin: germline.
Comment: The MC4R c.542G>A variant is predicted to result in the amino acid substitution p.Gly181Asp. This variant has been reported in several affected individuals (see for example, Hinney et al. 2003. PubMed ID: 12970296; Melchior et al. 2012. PubMed ID: 23146882). Collectively, functional evidence from these studies indicate that this variant does not impact MC4R protein expression, but the plasma membrane surface residence is dramatically reduced (29% of reference) and activity of the variant receptor is effectively abolished. This variant is reported in 0.0035%of alleles in individuals of European (Non-Finnish) descent in gnomAD. This variant is interpreted as pathogenic.

MGZ Medical Genetics Center
Classification: Likely pathogenic for BODY MASS INDEX QUANTITATIVE TRAIT LOCUS 20. Last evaluated: 2022-07-21. Review status: criteria provided, single submitter. Criteria: ACMG Guidelines, 2015. Collection method: clinical testing. Allele origin: germline. Affected: yes. Observed: 1 variant allele.
Comment: ACMG criteria applied: PS4_MOD, PS3_SUP, PM2_SUP, PM3_SUP, PP1

Institute of Human Genetics, University of Leipzig Medical Center
Classification: Likely pathogenic for BODY MASS INDEX QUANTITATIVE TRAIT LOCUS 20. Last evaluated: 2022-07-05. Review status: criteria provided, single submitter. Criteria: ACMG Guidelines, 2015. Collection method: clinical testing. Allele origin: unknown. Affected: yes.
Comment: _x000D_ Criteria applied: PS3, PM1, PS4_SUP, PP3

Institute of Human Genetics, Heidelberg University
Classification: Likely pathogenic for BODY MASS INDEX QUANTITATIVE TRAIT LOCUS 20. Last evaluated: 2022-01-10. Review status: criteria provided, single submitter. Criteria: ACMG Guidelines, 2015. Collection method: clinical testing. Allele origin: paternal. Affected: yes.

Imagene.me medical diagnostic laboratory, IMAGENE.ME SA
Classification: Pathogenic for BODY MASS INDEX QUANTITATIVE TRAIT LOCUS 20. Review status: criteria provided, single submitter. Criteria: IMAGENE.ME Variant Classification SOP 2022. Collection method: clinical testing. Allele origin: germline. Affected: yes.
Comment: Classified according to the IMAGENE.ME variant classification SOP based on the ACMG guidelines as Pathogenic (P): PS3 + PS4 + PM2 + PM1 + PP3 + PP4 + PP5